The following is an entry in ClinVar:

NM_001365536.1(SCN9A):c.4829G>A (p.Arg1610Gln)

Genes: SCN9A (sodium voltage-gated channel alpha subunit 9; minus strand), SCN1A-AS1 (SCN1A and SCN9A antisense RNA 1; plus strand). Cytogenetic location: 2q24.3.
Variant type: single nucleotide variant.
Coding change: c.4829G>A on transcript NM_001365536.1 (MANE Select); coding-DNA position 4829, G replaced by A.
Protein change: p.Arg1610Gln; replaces arginine 1610 with glutamine.
Molecular consequence: missense variant. On other transcripts: non-coding transcript variant (1).
Genome position (GRCh38, 1-based): chr2:166,199,810, C>T on the plus strand (G>A on the coding strand, the complement: SCN9A is on the minus strand). VCF-style: chr2-166199810-C-T. GRCh37 (hg19) VCF-style: chr2-167056320-C-T.
Other names: c.4796G>A, p.Arg1599Gln (NM_002977.4); short protein forms R1599Q, R1610Q.
Identifiers: ClinVar variation 958412 (VCV000958412.10), dbSNP rs1693395478, ClinGen allele CA349055560.

ClinVar aggregate classification (germline): Uncertain significance (1 of 4 stars; one submission).

Conditions:
Generalized epilepsy with febrile seizures plus, type 7 (GEFSP7). Also called: GEFS+, TYPE 7. Identifiers: Orphanet 36387, MedGen C2751778, MONDO:0013470, OMIM 613863.
Neuropathy, hereditary sensory and autonomic, type 2A (HSAN2A). Also called: HSAN IIA; ACROOSTEOLYSIS, GIACCAI TYPE; ACROOSTEOLYSIS, NEUROGENIC; WNK1-Related HSAN2 (HSAN2A); MORVAN DISEASE; NEUROPATHY, CONGENITAL SENSORY. Identifiers: Orphanet 970, MedGen C2752089, MONDO:0024309, OMIM 201300.

Submission:

Labcorp Genetics (formerly Invitae), Labcorp
Classification: Uncertain significance for Neuropathy, hereditary sensory and autonomic, type 2A; Generalized epilepsy with febrile seizures plus, type 7. Last evaluated: 2019-10-24. Review status: criteria provided, single submitter. Criteria: Invitae Variant Classification Sherloc (09022015). Collection method: clinical testing. Allele origin: germline.
Comment: In summary, the available evidence is currently insufficient to determine the role of this variant in disease. Therefore, it has been classified as a Variant of Uncertain Significance. Algorithms developed to predict the effect of missense changes on protein structure and function (SIFT, PolyPhen-2, Align-GVGD) all suggest that this variant is likely to be disruptive, but these predictions have not been confirmed by published functional studies and their clinical significance is uncertain. This variant has not been reported in the literature in individuals with SCN9A-related conditions. This variant is not present in population databases (ExAC no frequency). This sequence change replaces arginine with glutamine at codon 1599 of the SCN9A protein (p.Arg1599Gln). The arginine residue is highly conserved and there is a small physicochemical difference between arginine and glutamine.